The following is an entry in ClinVar:

ClinVar aggregate classification (germline): Uncertain significance (1 of 4 stars; one submission).

Conditions:
IKZF1-related disorder. Also called: IKZF1-related condition.

Allele frequency attached by ClinVar (database versions not stated): gnomAD 0.00001.
gnomAD v4.1: 18 of 703,034 alleles (0.0026%); highest among the groups gnomAD compares: Admixed American, 0.004%; no homozygotes.

Submission:

PreventionGenetics, part of Exact Sciences
Classification: Uncertain significance for IKZF1-related condition. Last evaluated: 2023-02-05. Review status: criteria provided, single submitter. Criteria: ACMG Guidelines, 2015. Collection method: clinical testing. Allele origin: germline.
Comment: The IKZF1 c.488G>A variant is predicted to result in the amino acid substitution p.Arg163His. To our knowledge, this variant has not been reported in the literature. This variant is reported in 0.0072% of alleles in individuals of European (Non-Finnish) descent in gnomAD. At this time, the clinical significance of this variant is uncertain due to the absence of conclusive functional and genetic evidence.

NM_006060.6(IKZF1):c.161-8200G>A

Gene: IKZF1 (IKAROS family zinc finger 1; plus strand). Cytogenetic location: 7p12.2.
Variant type: single nucleotide variant.
Coding change: c.161-8200G>A on transcript NM_006060.6 (MANE Select); 8200 bases into the intron before coding-DNA position 161, G replaced by A.
Molecular consequence: intron variant. On other transcripts: missense variant (1).
Genome position (GRCh38, 1-based): chr7:50,368,333, G>A. VCF-style: chr7-50368333-G-A. GRCh37 (hg19) VCF-style: chr7-50436031-G-A.
Other names: c.488G>A, p.Arg163His (NM_001291845.2); c.220+268G>A (NM_001410879.1, NM_001291846.2, NM_001291847.2); c.161-14207G>A (NM_001291839.2, NM_001291838.2, NM_001220767.2 and 1 more transcripts); c.161-8200G>A (NM_001220765.3, NM_001291837.2, NM_001220768.2 and 1 more transcripts); c.161-19012G>A (NM_001291841.1, NM_001291842.1); c.161-23396G>A (NM_001291843.1, NM_001291844.1); c.161-31585G>A (NM_001291840.1); short protein forms R163H.
Identifiers: ClinVar variation 2632068 (VCV002632068.1), dbSNP rs922355666, ClinGen allele CA158208246.
Genomic context (GRCh38, chr7:50,368,333, plus strand): 5'-ATGGCAGTGGAGTAACAGTAAGGGTTGGAGTCACAGTAGCACTGATGGGATTGTTACTTC[G>A]CAGATGCTGCTGGACAGCTTTGAGATTACTCCTGTAATCCTTTTTATTGAGTGTGAGGAT-3'